The following is an entry in ClinVar:

NM_002334.4(LRP4):c.563C>T (p.Ala188Val)

Gene: LRP4 (LDL receptor related protein 4; minus strand). Cytogenetic location: 11p11.2.
Variant type: single nucleotide variant.
Coding change: c.563C>T on transcript NM_002334.4 (MANE Select); coding-DNA position 563, C replaced by T.
Protein change: p.Ala188Val; replaces alanine 188 with valine.
Molecular consequence: missense variant.
Genome position (GRCh38, 1-based): chr11:46,899,017, G>A on the plus strand (C>T on the coding strand, the complement: LRP4 is on the minus strand). VCF-style: chr11-46899017-G-A. GRCh37 (hg19) VCF-style: chr11-46920568-G-A.
Other names: short protein forms A188V.
Identifiers: ClinVar variation 435786 (VCV000435786.11), dbSNP rs772245536, ClinGen allele CA5970448.

ClinVar aggregate classification (germline): Uncertain significance. Review status: criteria provided, multiple submitters, no conflicts (2 of 4 stars). 2 submissions from 2 submitters: Uncertain significance (2). Last evaluated 2024-11-01.

Conditions:
Congenital myasthenic syndrome 17. Identifiers: Orphanet 590, MedGen C4225377, MONDO:0014578, OMIM 616304.
Cenani-Lenz syndactyly syndrome. Also called: CENANI SYNDACTYLISM; SYNDACTYLY, TYPE VII. Identifiers: Orphanet 3258, MedGen C1859309, MONDO:0008931, OMIM 212780.
Sclerosteosis 2 (SOST2). Identifiers: Orphanet 3152, MedGen C3280402, MONDO:0013679, OMIM 614305.

Allele frequency attached by ClinVar (database versions not stated): gnomAD 0.00001; ExAC 0.00002; gnomAD exomes 0.00002 and 0.00003; TOPMed 0.00005.
gnomAD v4.1: 41 of 1,612,634 alleles (0.0025%); highest among the groups gnomAD compares: Admixed American, 0.005%; no homozygotes.

Submissions (2):

Labcorp Genetics (formerly Invitae), Labcorp
Classification: Uncertain significance for Cenani-Lenz syndactyly syndrome; Sclerosteosis 2; Congenital myasthenic syndrome 17. Last evaluated: 2024-11-01. Review status: criteria provided, single submitter. Criteria: Invitae Variant Classification Sherloc (09022015). Collection method: clinical testing. Allele origin: germline.
Comment: This sequence change replaces alanine, which is neutral and non-polar, with valine, which is neutral and non-polar, at codon 188 of the LRP4 protein (p.Ala188Val). This variant is present in population databases (rs772245536, gnomAD 0.004%). This variant has not been reported in the literature in individuals affected with LRP4-related conditions. ClinVar contains an entry for this variant (Variation ID: 435786). An algorithm developed to predict the effect of missense changes on protein structure and function outputs the following: PolyPhen-2: "Benign". The valine amino acid residue is found in multiple mammalian species, which suggests that this missense change does not adversely affect protein function. In summary, the available evidence is currently insufficient to determine the role of this variant in disease. Therefore, it has been classified as a Variant of Uncertain Significance.

Genetic Services Laboratory, University of Chicago
Classification: Uncertain significance. Last evaluated: 2016-12-23. Review status: criteria provided, single submitter. Criteria: ACMG Guidelines, 2015. Collection method: clinical testing. Allele origin: germline. Affected: no.